The following is an entry in ClinVar:

NM_000465.4(BARD1):c.2083G>T (p.Val695Phe)

Gene: BARD1 (BRCA1 associated RING domain 1; minus strand). Cytogenetic location: 2q35.
Variant type: single nucleotide variant.
Coding change: c.2083G>T on transcript NM_000465.4 (MANE Select); coding-DNA position 2083, G replaced by T.
Protein change: p.Val695Phe; replaces valine 695 with phenylalanine.
Molecular consequence: missense variant. On other transcripts: non-coding transcript variant (3).
Genome position (GRCh38, 1-based): chr2:214,728,927, C>A on the plus strand (G>T on the coding strand, the complement: BARD1 is on the minus strand). VCF-style: chr2-214728927-C-A. GRCh37 (hg19) VCF-style: chr2-215593651-C-A.
Other names: c.2026G>T, p.Val676Phe (NM_001282543.2); c.730G>T, p.Val244Phe (NM_001282545.2); c.673G>T, p.Val225Phe (NM_001282548.2); c.544G>T, p.Val182Phe (NM_001282549.2); short protein forms V695F, V182F, V225F, V676F, V244F.
Identifiers: ClinVar variation 420817 (VCV000420817.2), dbSNP rs111367604, ClinGen allele CA16617427.

ClinVar aggregate classification (germline): Uncertain significance (1 of 4 stars; one submission).

Submission:

GeneDx
Classification: Uncertain significance. Last evaluated: 2016-03-31. Review status: criteria provided, single submitter. Criteria: GeneDx Variant Classification (06012015). Collection method: clinical testing. Allele origin: germline. Affected: yes.
Comment: This variant is denoted BARD1 c.2083G>T at the cDNA level, p.Val695Phe (V695F) at the protein level, and results in the change of a Valine to a Phenylalanine (GTC>TTC). This variant has not, to our knowledge, been published in the literature as pathogenic or benign. BARD1 Val695Phe was not observed in approximately 6,500 individuals of European and African American ancestry in the NHLBI Exome Sequencing Project, suggesting it is not a common benign variant in these populations. Since Valine and Phenylalanine differ in some properties, this is considered a semi-conservative amino acid substitution. BARD1 Val695Phe occurs at a position where amino acids with properties similar to Valine are tolerated across species and is located in the BRCT2 domain (UniProt). While protein-based in silico analyses are inconsistent regarding the effect this variant may have on protein structure and function, multiple splicing models predict that this variant may increase a cryptic splice acceptor site for exon 11 and lead to abnormal splicing. However, in the absence of RNA or functional studies, the actual effect of this variant is unknown. Based on currently available evidence, it is unclear whether BARD1 Val695Phe is a pathogenic or benign variant. We consider it to be a variant of uncertain significance.